The following is an entry in ClinVar:

NM_001283009.2(RTEL1):c.2701G>C (p.Val901Leu)

Genes: RTEL1 (regulator of telomere elongation helicase 1; plus strand), RTEL1-TNFRSF6B (RTEL1-TNFRSF6B readthrough (NMD candidate); plus strand). Cytogenetic location: 20q13.33.
Variant type: single nucleotide variant.
Coding change: c.2701G>C on transcript NM_001283009.2 (MANE Select); coding-DNA position 2701, G replaced by C.
Protein change: p.Val901Leu; replaces valine 901 with leucine.
Molecular consequence: missense variant. On other transcripts: non-coding transcript variant (1).
Genome position (GRCh38, 1-based): chr20:63,692,853, G>C. VCF-style: chr20-63692853-G-C. GRCh37 (hg19) VCF-style: chr20-62324206-G-C.
Other names: c.2032G>C, p.Val678Leu (NM_001283010.1); c.2701G>C, p.Val901Leu (NM_016434.4); c.2773G>C, p.Val925Leu (NM_032957.5); short protein forms V925L, V901L, V678L.
Identifiers: ClinVar variation 4157683 (VCV004157683.2).

ClinVar aggregate classification (germline): Uncertain significance. Review status: criteria provided, multiple submitters, no conflicts (2 of 4 stars). 2 submissions from 2 submitters: Uncertain significance (2). Last evaluated 2025-12-29.

Conditions:
Inborn genetic diseases. Identifiers: MedGen C0950123, MeSH D030342.
Pulmonary fibrosis and/or bone marrow failure, Telomere-related, 3. Also called: PULMONARY FIBROSIS AND/OR BONE MARROW FAILURE SYNDROME, TELOMERE-RELATED, 3. Identifiers: Orphanet 2032, MedGen C4225346, MONDO:0014613, OMIM 616373.
Dyskeratosis congenita, autosomal recessive 5 (DKCB5). Identifiers: MedGen C3554656, MONDO:0014076, OMIM 615190.

gnomAD v4.1: 1 of 1,612,528 alleles (0.000062%); highest among the groups gnomAD compares: Admixed American, 0.0017%; no homozygotes.

Submissions (2):

Labcorp Genetics (formerly Invitae), Labcorp
Classification: Uncertain significance for Dyskeratosis congenita, autosomal recessive 5; Pulmonary fibrosis and/or bone marrow failure, Telomere-related, 3. Last evaluated: 2025-12-29. Review status: criteria provided, single submitter. Criteria: Invitae Variant Classification Sherloc (09022015). Collection method: clinical testing. Allele origin: germline.
Comment: This sequence change replaces valine, which is neutral and non-polar, with leucine, which is neutral and non-polar, at codon 901 of the RTEL1 protein (p.Val901Leu). This variant is not present in population databases (gnomAD no frequency). This variant has not been reported in the literature in individuals affected with RTEL1-related conditions. ClinVar contains an entry for this variant (Variation ID: 4157683). An algorithm developed to predict the effect of missense changes on protein structure and function outputs the following: PolyPhen-2: "Benign". The leucine amino acid residue is found in multiple mammalian species, which suggests that this missense change does not adversely affect protein function. In summary, the available evidence is currently insufficient to determine the role of this variant in disease. Therefore, it has been classified as a Variant of Uncertain Significance.

Ambry Genetics
Classification: Uncertain significance for Inborn genetic diseases. Last evaluated: 2025-08-21. Review status: criteria provided, single submitter. Criteria: Ambry Variant Classification Scheme 2023. Collection method: clinical testing. Allele origin: germline.
Comment: The p.V901L variant (also known as c.2701G>C), located in coding exon 28 of the RTEL1 gene, results from a G to C substitution at nucleotide position 2701. The valine at codon 901 is replaced by leucine, an amino acid with highly similar properties. This amino acid position is conserved. In addition, this alteration is predicted to be tolerated by in silico analysis. Based on the available evidence, the clinical significance of this variant remains unclear.